The following is an entry in ClinVar:

ClinVar aggregate classification (germline): Likely benign. Review status: criteria provided, single submitter (1 of 4 stars). 2 submissions from 2 submitters: Likely benign (1). 1 of the submissions does not count toward it. Last evaluated 2026-01-21.

Conditions:
Frontometaphyseal dysplasia (FMD1). Identifiers: Orphanet 1826, MedGen C0265293, MONDO:0015942.
Heterotopia, periventricular, X-linked dominant (PVNH1). Also called: PERIVENTRICULAR NODULAR HETEROTOPIA 1; X-linked periventricular heterotopia; PERIVENTRICULAR NODULAR HETEROTOPIA 4; HETEROTOPIA, PERIVENTRICULAR, 1. Identifiers: Orphanet 2149, Orphanet 82004, MedGen C1848213, MONDO:0010233, OMIM 300049.
Melnick-Needles syndrome (MNS). Also called: MELNICK-NEEDLES OSTEODYSPLASTY; OSTEODYSPLASTY OF MELNICK AND NEEDLES; Melnick-Needles Syndrome (FLNA-MNS). Identifiers: Orphanet 2484, MedGen C0025237, MONDO:0010650, OMIM 309350.
Oto-palato-digital syndrome, type II (OPD2). Also called: OPD II SYNDROME; FACIOPALATOOSSEOUS SYNDROME; Otopalatodigital Syndrome Type 2 (FLNA-OPD2); Otopalatodigital Syndrome, Type II. Identifiers: Orphanet 669, Orphanet 90652, MedGen C1844696, MONDO:0010571, OMIM 304120.
Macrothrombocytopenia. Identifiers: MedGen C2751260, HP:0040185.

Allele frequency attached by ClinVar (database versions not stated): gnomAD exomes 0.00001 and 0.00003; gnomAD 0.00003; ExAC 0.00005; TOPMed 0.00006; ESP Exome Variant Server 0.00010.
gnomAD v4.1: 13 of 1,210,079 alleles (0.0011%); highest among the groups gnomAD compares: East Asian, 0.003%; no homozygotes.

Submissions (2):

Labcorp Genetics (formerly Invitae), Labcorp
Classification: Likely benign for Oto-palato-digital syndrome, type II; Heterotopia, periventricular, X-linked dominant; Frontometaphyseal dysplasia; Melnick-Needles syndrome. Last evaluated: 2026-01-21. Review status: criteria provided, single submitter. Criteria: Invitae Variant Classification Sherloc (09022015). Collection method: clinical testing. Allele origin: germline.

GeneReviews
No classification provided. Condition: Macrothrombocytopenia. Review status: no classification provided. Collection method: literature only. Allele origin: germline. Not counted in ClinVar's aggregate classification.

Literature cited by the submitters: PubMed 21960593 (cited by GeneReviews).

NM_001110556.2(FLNA):c.5407G>A (p.Glu1803Lys)

Gene: FLNA (filamin A; minus strand). Cytogenetic location: Xq28.
Variant type: single nucleotide variant.
Coding change: c.5407G>A on transcript NM_001110556.2 (MANE Select); coding-DNA position 5407, G replaced by A.
Protein change: p.Glu1803Lys; replaces glutamic acid 1803 with lysine.
Molecular consequence: missense variant.
Genome position (GRCh38, 1-based): chrX:154,354,390, C>T on the plus strand (G>A on the coding strand, the complement: FLNA is on the minus strand). VCF-style: chrX-154354390-C-T. GRCh37 (hg19) VCF-style: chrX-153582758-C-T.
Other names: c.5383G>A, p.Glu1795Lys (NM_001456.4); short protein forms E1803K, E1795K.
Identifiers: ClinVar variation 937521 (VCV000937521.12), dbSNP rs368750879, ClinGen allele CA10560329.